The following is an entry in ClinVar:

ClinVar aggregate classification (germline): Uncertain significance. Review status: criteria provided, multiple submitters, no conflicts (2 of 4 stars). 2 submissions from 2 submitters: Uncertain significance (2). Last evaluated 2026-02-02.

Conditions:
Inborn genetic diseases. Identifiers: MedGen C0950123, MeSH D030342.

Allele frequency attached by ClinVar (database versions not stated): TOPMed 0.00002; ExAC 0.00003; gnomAD exomes 0.00003; gnomAD 0.00006.
gnomAD v4.1: 53 of 1,613,744 alleles (0.0033%); highest among the groups gnomAD compares: Non-Finnish European, 0.0041%; 1 homozygote.

Submissions (2):

Labcorp Genetics (formerly Invitae), Labcorp
Classification: Uncertain significance. Last evaluated: 2026-02-02. Review status: criteria provided, single submitter. Criteria: Invitae Variant Classification Sherloc (09022015). Collection method: clinical testing. Allele origin: germline.
Comment: This sequence change replaces lysine, which is basic and polar, with glutamic acid, which is acidic and polar, at codon 1019 of the TENM3 protein (p.Lys1019Glu). This variant is present in population databases (rs759838404, gnomAD 0.008%). This variant has not been reported in the literature in individuals affected with TENM3-related conditions. ClinVar contains an entry for this variant (Variation ID: 2716474). Invitae Evidence Modeling of protein sequence and biophysical properties (such as structural, functional, and spatial information, amino acid conservation, physicochemical variation, residue mobility, and thermodynamic stability) has been performed for this missense variant. However, the output from this modeling did not meet the statistical confidence thresholds required to predict the impact of this variant on TENM3 protein function. In summary, the available evidence is currently insufficient to determine the role of this variant in disease. Therefore, it has been classified as a Variant of Uncertain Significance.

Ambry Genetics
Classification: Uncertain significance for Inborn genetic diseases. Last evaluated: 2024-10-22. Review status: criteria provided, single submitter. Criteria: Ambry Variant Classification Scheme 2023. Collection method: clinical testing. Allele origin: germline.

NM_001080477.4(TENM3):c.3055A>G (p.Lys1019Glu)

Gene: TENM3 (teneurin transmembrane protein 3; plus strand). Cytogenetic location: 4q35.1.
Variant type: single nucleotide variant.
Coding change: c.3055A>G on transcript NM_001080477.4 (MANE Select); coding-DNA position 3055, A replaced by G.
Protein change: p.Lys1019Glu; replaces lysine 1019 with glutamic acid.
Molecular consequence: missense variant.
Genome position (GRCh38, 1-based): chr4:182,736,895, A>G. VCF-style: chr4-182736895-A-G. GRCh37 (hg19) VCF-style: chr4-183658048-A-G.
Other names: c.2266A>G, p.Lys756Glu (NM_001415960.1); c.2239A>G, p.Lys747Glu (NM_001415961.1, NM_001415962.1, NM_001415963.1 and 1 more transcripts); c.2776A>G, p.Lys926Glu (NM_001415966.1, NM_001415967.1, NM_001415976.1 and 1 more transcripts); c.3055A>G, p.Lys1019Glu (NM_001415968.1, NM_001415969.1, NM_001415970.1 and 4 more transcripts); c.3055A>G (NM_001080477.1); short protein forms K926E, K1019E, K747E, K756E.
Identifiers: ClinVar variation 2716474 (VCV002716474.4), dbSNP rs759838404, ClinGen allele CA3148104.